The following is an entry in ClinVar:

ClinVar aggregate classification (germline): Likely benign. Review status: criteria provided, multiple submitters, no conflicts (2 of 4 stars). 8 submissions from 8 submitters: Likely benign (7). 1 of the submissions does not count toward it. Last evaluated 2025-11-20.

Conditions:
Breast and/or ovarian cancer. Identifiers: MedGen CN221562.
Hereditary cancer-predisposing syndrome. Also called: Hereditary Cancer Syndrome; Tumor predisposition; Neoplastic Syndromes, Hereditary; Hereditary neoplastic syndrome. Identifiers: Orphanet 140162, MedGen C0027672, MeSH D009386, MONDO:0015356.
Hereditary breast ovarian cancer syndrome. Also called: BRCA1- and BRCA2-Associated Hereditary Breast and Ovarian Cancer; Hereditary breast and ovarian cancer syndrome; Hereditary breast and ovarian cancer syndrome (HBOC); Hereditary breast and ovarian cancer; Hereditary breast and/or ovarian cancer syndrome; Breast and ovarian cancer. Identifiers: Orphanet 145, MedGen C0677776, MeSH D061325, MONDO:0003582. Disease mechanism: loss of function.

Allele frequency attached by ClinVar (database versions not stated): gnomAD exomes below 0.00001; TOPMed 0.00001; ESP Exome Variant Server 0.00008.
gnomAD v4.1: 6 of 1,526,274 alleles (0.00039%); highest among the groups gnomAD compares: African/African-American, 0.0014%; no homozygotes.

Submissions (8):

Labcorp Genetics (formerly Invitae), Labcorp
Classification: Likely benign for Hereditary breast ovarian cancer syndrome. Last evaluated: 2025-11-20. Review status: criteria provided, single submitter. Criteria: Invitae Variant Classification Sherloc (09022015). Collection method: clinical testing. Allele origin: germline.

Center for Genomic Medicine, Rigshospitalet, Copenhagen University Hospital
Classification: Likely benign. Last evaluated: 2025-03-04. Review status: criteria provided, single submitter. Criteria: ACMG Guidelines, 2015. Collection method: clinical testing. Allele origin: germline.

Blueprint Genetics
Classification: Likely benign. Last evaluated: 2023-05-24. Review status: criteria provided, single submitter. Criteria: ACMG Guidelines, 2015. Collection method: clinical testing. Allele origin: germline.

CHEO Genetics Diagnostic Laboratory, Children's Hospital of Eastern Ontario
Classification: Likely benign for Breast and/or ovarian cancer. Last evaluated: 2022-03-07. Review status: criteria provided, single submitter. Criteria: ACMG Guidelines, 2015. Collection method: clinical testing. Allele origin: germline.

Women's Health and Genetics/Laboratory Corporation of America, LabCorp
Classification: Likely benign. Last evaluated: 2021-05-17. Review status: criteria provided, single submitter. Criteria: LabCorp Variant Classification Summary - May 2015. Collection method: clinical testing. Allele origin: germline.
Comment: Variant summary: BRCA1 c.212+17T>C alters a non-conserved nucleotide located close to a canonical splice site and therefore could affect mRNA splicing, leading to a significantly altered protein sequence. 4/4 computational tools predict no significant impact on normal splicing. A recently published study evaluating splicing impact using semi-quantitative capillary electrophoresis, Sanger sequencing and allele-specific assays did not detect any abnormal transcripts indicative of no impact on splicing. This variant was classified as benign (Class 1 variant) following the ENIGMA guidelines (Montalban_2019). The variant was absent in 247566 control chromosomes. The available data on variant occurrences in the general population are insufficient to allow any conclusion about variant significance. c.212+17T>C has been reported in the literature in at-least one individual affected with stomach cancer who had a family history of various cancers (Montalban_2019). This report does not provide unequivocal conclusions about association of the variant with Hereditary Breast And Ovarian Cancer Syndrome. Four clinical diagnostic laboratories have submitted clinical-significance assessments for this variant to ClinVar after 2014 without evidence for independent evaluation. All laboratories classified the variant as benign (n=1)/likely benign (n=3). Based on the evidence outlined above, the variant was classified as likely benign.

Color Diagnostics, LLC DBA Color Health
Classification: Likely benign for Hereditary cancer-predisposing syndrome. Last evaluated: 2018-07-10. Review status: criteria provided, single submitter. Criteria: ACMG Guidelines, 2015. Collection method: clinical testing. Allele origin: germline.

GeneDx
Classification: Likely benign. Last evaluated: 2016-12-15. Review status: criteria provided, single submitter. Criteria: GeneDx Variant Classification (06012015). Collection method: clinical testing. Allele origin: germline. Affected: yes.
Comment: This variant is considered likely benign or benign based on one or more of the following criteria: it is a conservative change, it occurs at a poorly conserved position in the protein, it is predicted to be benign by multiple in silico algorithms, and/or has population frequency not consistent with disease.

Hereditary Cancer Genetics group, Vall d'Hebron Institute of Oncology
Classification: Benign for Hereditary breast and ovarian cancer syndrome. Last evaluated: 2019-03-01. Review status: no assertion criteria provided. Collection method: research. Allele origin: germline. Affected: yes. Not counted in ClinVar's aggregate classification.

Literature cited by the submitters: PubMed 31343793 (cited by Women's Health and Genetics/Laboratory Corporation of America, LabCorp); PubMed 30472649 (cited by Hereditary Cancer Genetics group, Vall d'Hebron Institute of Oncology).

NM_007294.4(BRCA1):c.212+17T>C

Gene: BRCA1 (BRCA1 DNA repair associated; minus strand). Cytogenetic location: 17q21.31.
Variant type: single nucleotide variant.
Coding change: c.212+17T>C on transcript NM_007294.4 (MANE Select); 17 bases into the intron after coding-DNA position 212, T replaced by C.
Molecular consequence: intron variant.
Genome position (GRCh38, 1-based): chr17:43,106,439, A>G on the plus strand (T>C on the coding strand, the complement: BRCA1 is on the minus strand). VCF-style: chr17-43106439-A-G. GRCh37 (hg19) VCF-style: chr17-41258456-A-G.
Other names: c.71+17T>C (NM_001408458.1, NM_001407931.1, NM_001407747.1 and 99 more transcripts); c.-218-11579T>C (NM_001407967.1, NM_001407966.1); c.-169-1483T>C (NM_001407959.1, NM_001407962.1, NM_001408512.1 and 4 more transcripts); c.2+39T>C (NM_001407885.1, NM_001407886.1, NM_001407898.1 and 58 more transcripts); c.212+17T>C (NM_001407686.1, NM_001408397.1, NM_001407632.1 and 167 more transcripts); c.81-1483T>C (NM_001408451.1); c.135-1483T>C (NM_001408475.1, NM_001407875.1, NM_001407659.1 and 21 more transcripts).
Identifiers: ClinVar variation 221064 (VCV000221064.25), dbSNP rs369461674, ClinGen allele CA350761.